The following is an entry in ClinVar:

ClinVar aggregate classification (germline): Uncertain significance (1 of 4 stars; one submission).

Submission:

Labcorp Genetics (formerly Invitae), Labcorp
Classification: Uncertain significance. Last evaluated: 2025-03-16. Review status: criteria provided, single submitter. Criteria: Invitae Variant Classification Sherloc (09022015). Collection method: clinical testing. Allele origin: germline.
Comment: This sequence change replaces alanine, which is neutral and non-polar, with threonine, which is neutral and polar, at codon 287 of the ICOSLG protein (p.Ala287Thr). This variant is not present in population databases (gnomAD no frequency). This variant has not been reported in the literature in individuals affected with ICOSLG-related conditions. An algorithm developed to predict the effect of missense changes on protein structure and function outputs the following: PolyPhen-2: "Benign". The threonine amino acid residue is found in multiple mammalian species, which suggests that this missense change does not adversely affect protein function. In summary, the available evidence is currently insufficient to determine the role of this variant in disease. Therefore, it has been classified as a Variant of Uncertain Significance.

NM_015259.6(ICOSLG):c.859G>A (p.Ala287Thr)

Gene: ICOSLG (inducible T cell costimulator ligand; minus strand). Cytogenetic location: 21q22.3.
Variant type: single nucleotide variant.
Coding change: c.859G>A on transcript NM_015259.6 (MANE Select); coding-DNA position 859, G replaced by A.
Protein change: p.Ala287Thr; replaces alanine 287 with threonine.
Molecular consequence: missense variant.
Genome position (GRCh38, 1-based): chr21:44,231,283, C>T on the plus strand (G>A on the coding strand, the complement: ICOSLG is on the minus strand). VCF-style: chr21-44231283-C-T. GRCh37 (hg19) VCF-style: chr21-45651166-C-T.
Other names: c.859G>A, p.Ala287Thr (NM_001283050.2, NM_001395918.1); c.508G>A, p.Ala170Thr (NM_001283051.2); c.604G>A, p.Ala202Thr (NM_001283052.2); c.778G>A, p.Ala260Thr (NM_001365759.2); short protein forms A287T, A170T, A260T, A202T.
Identifiers: ClinVar variation 4715239 (VCV004715239.1).